The following is an entry in ClinVar:

NM_001288705.3(CSF1R):c.1580C>T (p.Ala527Val)

Gene: CSF1R (colony stimulating factor 1 receptor; minus strand). Cytogenetic location: 5q32.
Variant type: single nucleotide variant.
Coding change: c.1580C>T on transcript NM_001288705.3 (MANE Select); coding-DNA position 1580, C replaced by T.
Protein change: p.Ala527Val; replaces alanine 527 with valine.
Molecular consequence: missense variant. On other transcripts: non-coding transcript variant (2).
Genome position (GRCh38, 1-based): chr5:150,068,261, G>A on the plus strand (C>T on the coding strand, the complement: CSF1R is on the minus strand). VCF-style: chr5-150068261-G-A. GRCh37 (hg19) VCF-style: chr5-149447824-G-A.
Other names: c.1580C>T, p.Ala527Val (NM_001349736.2, NM_001375320.1, NM_005211.4); c.1136C>T, p.Ala379Val (NM_001375321.1); short protein forms A379V, A527V.
Identifiers: ClinVar variation 4801557 (VCV004801557.1).

ClinVar aggregate classification (germline): Uncertain significance (1 of 4 stars; one submission).

Submission:

Labcorp Genetics (formerly Invitae), Labcorp
Classification: Uncertain significance. Last evaluated: 2025-06-10. Review status: criteria provided, single submitter. Criteria: Invitae Variant Classification Sherloc (09022015). Collection method: clinical testing. Allele origin: germline.
Comment: This sequence change replaces alanine, which is neutral and non-polar, with valine, which is neutral and non-polar, at codon 527 of the CSF1R protein (p.Ala527Val). This variant is not present in population databases (gnomAD no frequency). This variant has not been reported in the literature in individuals affected with CSF1R-related conditions. Invitae Evidence Modeling of protein sequence and biophysical properties (such as structural, functional, and spatial information, amino acid conservation, physicochemical variation, residue mobility, and thermodynamic stability) indicates that this missense variant is not expected to disrupt CSF1R protein function with a negative predictive value of 95%. In summary, the available evidence is currently insufficient to determine the role of this variant in disease. Therefore, it has been classified as a Variant of Uncertain Significance.